The following is an entry in ClinVar:

NM_016219.5(MAN1B1):c.1216del (p.Arg406fs)

Gene: MAN1B1 (mannosidase alpha class 1B member 1; plus strand). Cytogenetic location: 9q34.3.
Variant type: Deletion.
Coding change: c.1216del on transcript NM_016219.5 (MANE Select); coding-DNA position 1216, one base deleted (C; older notation c.1216delC).
Protein change: p.Arg406fs; shifts the reading frame from arginine 406.
Molecular consequence: frameshift variant. On other transcripts: non-coding transcript variant (2).
Genome position (GRCh38, 1-based): chr9:137,101,634, C deleted; the last of 2 consecutive C bases (chr9:137,101,633-137,101,634); deleting either gives the same sequence. VCF-style (leftmost placement, unchanged base first): chr9-137101632-TC-T. GRCh37 (hg19) VCF-style: chr9-139996084-TC-T.
Other names: short protein forms R406fs.
Identifiers: ClinVar variation 4703323 (VCV004703323.1).
Genomic context (GRCh38, chr9:137,101,632, plus strand): 5'-ACCCGCCACGGTGGACCTCCGACAGCACTGTGGCCGAGGTGACCAGCATTCAGCTGGAGT[TC>T]CGGGAGCTCTCCCGTCTCACAGGGGATAAGAAGTTTCAGGTAAGGGGGCAGGCTTTCTGG-3'

ClinVar aggregate classification (germline): Pathogenic (1 of 4 stars; one submission).

Conditions:
Rafiq syndrome (RAFQS). Identifiers: Orphanet 88616, MedGen C3280127, MONDO:0013624, OMIM 614202.

Submission:

Labcorp Genetics (formerly Invitae), Labcorp
Classification: Pathogenic for Rafiq syndrome. Last evaluated: 2025-11-27. Review status: criteria provided, single submitter. Criteria: Invitae Variant Classification Sherloc (09022015). Collection method: clinical testing. Allele origin: germline.
Comment: This sequence change creates a premature translational stop signal (p.Arg406Glyfs*19) in the MAN1B1 gene. It is expected to result in an absent or disrupted protein product. Loss-of-function variants in MAN1B1 are known to be pathogenic (PMID: 24566669). This variant is present in population databases (no rsID available, gnomAD 0.004%). This variant has not been reported in the literature in individuals affected with MAN1B1-related conditions. For these reasons, this variant has been classified as Pathogenic.

Literature cited by the submitters: PubMed 24566669.